The following is an entry in ClinVar:

ClinVar aggregate classification (germline): Likely pathogenic. Review status: criteria provided, multiple submitters, no conflicts (2 of 4 stars). 2 submissions from 2 submitters: Likely pathogenic (2). Last evaluated 2025-04-23.

Conditions:
MYH3-related disorder. Also called: MYH3-Related Disorders; MYH3-related condition. Identifiers: MedGen CN239329.

Submissions (2):

GeneDx
Classification: Likely pathogenic. Last evaluated: 2025-04-23. Review status: criteria provided, single submitter. Criteria: GeneDx Variant Classification Process June 2021. Collection method: clinical testing. Allele origin: germline. Affected: yes.
Comment: Frameshift variant predicted to result in protein truncation or nonsense mediated decay in a gene for which loss of function is a known mechanism of disease; Not observed at significant frequency in large population cohorts (gnomAD); Has not been previously published as pathogenic or benign to our knowledge

PreventionGenetics, part of Exact Sciences
Classification: Likely pathogenic for MYH3-related condition. Last evaluated: 2025-03-28. Review status: criteria provided, single submitter. Criteria: ACMG Guidelines, 2015. Collection method: clinical testing. Allele origin: germline.
Comment: The MYH3 c.2294_2295insG variant is predicted to result in a frameshift and premature protein termination (p.Phe765Leufs*16). To our knowledge, this variant has not been reported in the literature or in a large population database (gnomAD), indicating this variant is rare. Frameshift variants in MYH3 are expected to be pathogenic. This variant is interpreted as likely pathogenic for autosomal recessive MYH3-related disorders.

NM_002470.4(MYH3):c.2294_2295insG (p.Phe765fs)

Gene: MYH3 (myosin heavy chain 3; minus strand). Cytogenetic location: 17p13.1.
Variant type: Insertion.
Coding change: c.2294_2295insG on transcript NM_002470.4 (MANE Select); coding-DNA positions 2294 to 2295, G inserted.
Protein change: p.Phe765fs; shifts the reading frame from phenylalanine 765.
Molecular consequence: frameshift variant.
Genome position: GRCh38 VCF-style: chr17-10640464-G-GC. GRCh37 (hg19) VCF-style: chr17-10543781-G-GC.
Other names: short protein forms F765fs.
Identifiers: ClinVar variation 4527423 (VCV004527423.2).